The following is an entry in ClinVar:

NM_000359.3(TGM1):c.221_222dup (p.Ser75fs)

Gene: TGM1 (transglutaminase 1; minus strand). Cytogenetic location: 14q12.
Variant type: Duplication.
Coding change: c.221_222dup on transcript NM_000359.3 (MANE Select); coding-DNA positions 221 to 222, 2 bases duplicated (GC; older notation c.221_222dupGC).
Protein change: p.Ser75fs; shifts the reading frame from serine 75.
Molecular consequence: frameshift variant.
Genome position (GRCh38, 1-based): chr14:24,262,131-24,262,132, GC duplicated on the plus strand (GC on the coding strand, the reverse complement: TGM1 is on the minus strand). VCF-style (leftmost placement, unchanged base first): chr14-24262130-A-AGC. GRCh37 (hg19) VCF-style: chr14-24731336-A-AGC.
Other names: short protein forms S75fs.
Identifiers: ClinVar variation 2760331 (VCV002760331.3), dbSNP rs2502509104, ClinGen allele CA2697553898.
Genomic context (GRCh38, chr14:24,262,130, plus strand): 5'-TGCCCCGGGATACAGGCCGGCGGGAGTCTGAGCCCCGGGAGCCAGGTCTTCGAGTGCCAG[A>AGC]GCTGGACCCTCGACCCCTGGAGTCAGAGGGTTCAGGTCCCCAGTCGTCATCTGCCGCATT-3'

ClinVar aggregate classification (germline): Pathogenic (1 of 4 stars; one submission).

Submission:

Labcorp Genetics (formerly Invitae), Labcorp
Classification: Pathogenic. Last evaluated: 2023-09-12. Review status: criteria provided, single submitter. Criteria: Invitae Variant Classification Sherloc (09022015). Collection method: clinical testing. Allele origin: germline.
Comment: This sequence change creates a premature translational stop signal (p.Ser75Alafs*37) in the TGM1 gene. It is expected to result in an absent or disrupted protein product. Loss-of-function variants in TGM1 are known to be pathogenic (PMID: 18948357, 19241467). This variant is not present in population databases (gnomAD no frequency). For these reasons, this variant has been classified as Pathogenic. This variant has not been reported in the literature in individuals affected with TGM1-related conditions.

Literature cited by the submitters: PubMed 18948357; PubMed 19241467.